The following is an entry in ClinVar:

NM_006914.4(RORB):c.824A>G (p.Glu275Gly)

Gene: RORB (RAR related orphan receptor B; plus strand). Cytogenetic location: 9q21.13.
Variant type: single nucleotide variant.
Coding change: c.824A>G on transcript NM_006914.4 (MANE Select); coding-DNA position 824, A replaced by G.
Protein change: p.Glu275Gly; replaces glutamic acid 275 with glycine.
Molecular consequence: missense variant.
Genome position (GRCh38, 1-based): chr9:74,662,538, A>G. VCF-style: chr9-74662538-A-G. GRCh37 (hg19) VCF-style: chr9-77277454-A-G.
Other names: c.857A>G, p.Glu286Gly (NM_001365023.1); short protein forms E275G, E286G.
Identifiers: ClinVar variation 4696064 (VCV004696064.1).
Genomic context (GRCh38, chr9:74,662,538, plus strand): 5'-GGGAAGCACTGTGGCAACAATGTGCCATCCAGATCACTCACGCCATCCAATACGTGGTGG[A>G]GTTTGCAAAGCGGATAACAGGCTTCATGGAGCTCTGTCAAAATGATCAAATTCTACTTCT-3'
Protein context (NP_008845.2, residues 265-285): QITHAIQYVV[Glu275Gly]FAKRITGFME

ClinVar aggregate classification (germline): Uncertain significance (1 of 4 stars; one submission).

Submission:

Labcorp Genetics (formerly Invitae), Labcorp
Classification: Uncertain significance. Last evaluated: 2025-10-11. Review status: criteria provided, single submitter. Criteria: Invitae Variant Classification Sherloc (09022015). Collection method: clinical testing. Allele origin: germline.
Comment: This sequence change replaces glutamic acid, which is acidic and polar, with glycine, which is neutral and non-polar, at codon 275 of the RORB protein (p.Glu275Gly). This variant is not present in population databases (gnomAD no frequency). This missense change has been observed in individual(s) with epilepsy (PMID: 37993639). An algorithm developed to predict the effect of missense changes on protein structure and function (PolyPhen-2) suggests that this variant is likely to be disruptive. In summary, the available evidence is currently insufficient to determine the role of this variant in disease. Therefore, it has been classified as a Variant of Uncertain Significance.

Literature cited by the submitters: PubMed 37993639.